The following is an entry in ClinVar:

ClinVar aggregate classification (germline): Uncertain significance (1 of 4 stars; one submission).

Conditions:
Gnathodiaphyseal dysplasia (GDD). Also called: GNATHODIAPHYSEAL SCLEROSIS; OSTEOGENESIS IMPERFECTA WITH UNUSUAL SKELETAL LESIONS. Identifiers: Orphanet 53697, MedGen C1833736, MONDO:0008151, OMIM 166260.
Autosomal recessive limb-girdle muscular dystrophy type 2L (LGMDR12). Also called: Limb-girdle muscular dystrophy, type 2L; MUSCULAR DYSTROPHY, LIMB-GIRDLE, AUTOSOMAL RECESSIVE 12; Limb-Girdle Muscular Dystrophy R12 Anoctamin-5-Related (LGMD-R12). Identifiers: Orphanet 206549, MedGen C1969785, MONDO:0012652, OMIM 611307.

Submission:

Labcorp Genetics (formerly Invitae), Labcorp
Classification: Uncertain significance for Autosomal recessive limb-girdle muscular dystrophy type 2L; Gnathodiaphyseal dysplasia. Last evaluated: 2024-02-24. Review status: criteria provided, single submitter. Criteria: Invitae Variant Classification Sherloc (09022015). Collection method: clinical testing. Allele origin: germline.
Comment: This sequence change affects codon 389 of the ANO5 mRNA. It is a 'silent' change, meaning that it does not change the encoded amino acid sequence of the ANO5 protein. This variant is not present in population databases (gnomAD no frequency). This variant has not been reported in the literature in individuals affected with ANO5-related conditions. Algorithms developed to predict the effect of sequence changes on RNA splicing suggest that this variant may disrupt the consensus splice site. In summary, the available evidence is currently insufficient to determine the role of this variant in disease. Therefore, it has been classified as a Variant of Uncertain Significance.

NM_213599.3(ANO5):c.1167C>T (p.Phe389=)

Gene: ANO5 (anoctamin 5; plus strand). Cytogenetic location: 11p14.3.
Variant type: single nucleotide variant.
Coding change: c.1167C>T on transcript NM_213599.3 (MANE Select); coding-DNA position 1167, C replaced by T.
Protein change: p.Phe389=; no amino-acid change (phenylalanine 389 retained).
Molecular consequence: synonymous variant.
Genome position (GRCh38, 1-based): chr11:22,250,998, C>T. VCF-style: chr11-22250998-C-T. GRCh37 (hg19) VCF-style: chr11-22272544-C-T.
Other names: c.1164C>T, p.Phe388= (NM_001142649.2); c.1125C>T, p.Phe375= (NM_001410963.1); c.1122C>T, p.Phe374= (NM_001410964.1).
Identifiers: ClinVar variation 3762350 (VCV003762350.2).
Genomic context (GRCh38, chr11:22,250,998, plus strand): 5'-GTTATTTTTACAGTTCTCCCATTTGTTTGATAATGAGTCAACAGTGTTCTTTGCAATATT[C>T]ATGGGAATTTGGGGTGAGTAAATAGTCCCATAAAGAAACAGCTTTCTTCCTATTAATGTG-3'
Protein context (NP_998764.1, residues 379-399): DNESTVFFAI[Phe389=]MGIWVTLFLE